The following is an entry in ClinVar:

NM_000377.3(WAS):c.992T>C (p.Ile331Thr)

Gene: WAS (WASP actin nucleation promoting factor; plus strand). Cytogenetic location: Xp11.23.
Variant type: single nucleotide variant.
Coding change: c.992T>C on transcript NM_000377.3 (MANE Select); coding-DNA position 992, T replaced by C.
Protein change: p.Ile331Thr; replaces isoleucine 331 with threonine.
Molecular consequence: missense variant.
Genome position (GRCh38, 1-based): chrX:48,688,720, T>C. VCF-style: chrX-48688720-T-C. GRCh37 (hg19) VCF-style: chrX-48547109-T-C.
Other names: short protein forms I331T.
Identifiers: ClinVar variation 2165688 (VCV002165688.1), dbSNP rs2519286633, ClinGen allele CA412872876.

ClinVar aggregate classification (germline): Uncertain significance (1 of 4 stars; one submission).

Conditions:
X-linked severe congenital neutropenia (SCNX). Identifiers: Orphanet 86788, MedGen C1845987, MONDO:0010294, OMIM 300299.
Thrombocytopenia 1. Also called: X-linked thrombocytopenia with normal platelets; X-Linked Thrombocytopenia (XLT); THROMBOCYTOPENIA, X-LINKED, 1. Identifiers: Orphanet 268322, Orphanet 852, MedGen C1839163, MONDO:0010743, OMIM 313900.
Wiskott-Aldrich syndrome (WAS). Also called: Wiskott-aldrich syndrome, somatic; ALDRICH SYNDROME; IMMUNODEFICIENCY 2; WISKOTT-ALDRICH SYNDROME 1. Identifiers: Orphanet 906, MedGen C0043194, MONDO:0010518, OMIM 301000.

Allele frequency attached by ClinVar (database versions not stated): gnomAD exomes below 0.00001.
gnomAD v4.1: 2 of 1,177,629 alleles (0.00017%); highest among the groups gnomAD compares: East Asian, 0.006%; no homozygotes.

Submission:

Labcorp Genetics (formerly Invitae), Labcorp
Classification: Uncertain significance for Wiskott-Aldrich syndrome; X-linked severe congenital neutropenia; Thrombocytopenia 1. Last evaluated: 2022-04-20. Review status: criteria provided, single submitter. Criteria: Invitae Variant Classification Sherloc (09022015). Collection method: clinical testing. Allele origin: germline.
Comment: This sequence change replaces isoleucine, which is neutral and non-polar, with threonine, which is neutral and polar, at codon 331 of the WAS protein (p.Ile331Thr). This variant is not present in population databases (gnomAD no frequency). This variant has not been reported in the literature in individuals affected with WAS-related conditions. Algorithms developed to predict the effect of missense changes on protein structure and function output the following: SIFT: "Not Available"; PolyPhen-2: "Benign"; Align-GVGD: "Not Available". The threonine amino acid residue is found in multiple mammalian species, which suggests that this missense change does not adversely affect protein function. In summary, the available evidence is currently insufficient to determine the role of this variant in disease. Therefore, it has been classified as a Variant of Uncertain Significance.